The following is an entry in ClinVar:

NM_000204.5(CFI):c.1181C>T (p.Thr394Ile)

Gene: CFI (complement factor I; minus strand). Cytogenetic location: 4q25.
Variant type: single nucleotide variant.
Coding change: c.1181C>T on transcript NM_000204.5 (MANE Select); coding-DNA position 1181, C replaced by T.
Protein change: p.Thr394Ile; replaces threonine 394 with isoleucine.
Molecular consequence: missense variant. On other transcripts: non-coding transcript variant (2).
Genome position (GRCh38, 1-based): chr4:109,746,470, G>A on the plus strand (C>T on the coding strand, the complement: CFI is on the minus strand). VCF-style: chr4-109746470-G-A. GRCh37 (hg19) VCF-style: chr4-110667626-G-A.
Other names: c.1205C>T, p.Thr402Ile (NM_001318057.2, NM_001375278.1); c.1160C>T, p.Thr387Ile (NM_001331035.2, NM_001375280.1, NM_001375282.1); c.1181C>T, p.Thr394Ile (NM_001375279.1, NM_001375281.1); c.1124C>T, p.Thr375Ile (NM_001375283.1); c.572C>T, p.Thr191Ile (NM_001375284.1); short protein forms T375I, T387I, T191I, T394I, T402I.
Identifiers: ClinVar variation 3686282 (VCV003686282.2).

ClinVar aggregate classification (germline): Uncertain significance (1 of 4 stars; one submission).

gnomAD v4.1: 2 of 1,612,472 alleles (0.00012%); highest among the groups gnomAD compares: Admixed American, 0.0033%; no homozygotes.

Submission:

Labcorp Genetics (formerly Invitae), Labcorp
Classification: Uncertain significance. Last evaluated: 2024-05-08. Review status: criteria provided, single submitter. Criteria: Invitae Variant Classification Sherloc (09022015). Collection method: clinical testing. Allele origin: germline.
Comment: This sequence change replaces threonine, which is neutral and polar, with isoleucine, which is neutral and non-polar, at codon 394 of the CFI protein (p.Thr394Ile). This variant is present in population databases (rs543085274, gnomAD 0.003%). This variant has not been reported in the literature in individuals affected with CFI-related conditions. Advanced modeling of protein sequence and biophysical properties (such as structural, functional, and spatial information, amino acid conservation, physicochemical variation, residue mobility, and thermodynamic stability) performed at Invitae indicates that this missense variant is not expected to disrupt CFI protein function with a negative predictive value of 80%. In summary, the available evidence is currently insufficient to determine the role of this variant in disease. Therefore, it has been classified as a Variant of Uncertain Significance.